The following is an entry in ClinVar:

ClinVar aggregate classification (germline): Uncertain significance (1 of 4 stars; one submission).

Allele frequency attached by ClinVar (database versions not stated): gnomAD exomes below 0.00001; gnomAD 0.00001; TOPMed 0.00001.
gnomAD v4.1: 3 of 1,614,084 alleles (0.00019%); highest among the groups gnomAD compares: Admixed American, 0.0033%; no homozygotes.

Submission:

Labcorp Genetics (formerly Invitae), Labcorp
Classification: Uncertain significance. Last evaluated: 2025-10-18. Review status: criteria provided, single submitter. Criteria: Invitae Variant Classification Sherloc (09022015). Collection method: clinical testing. Allele origin: germline.
Comment: This sequence change replaces serine, which is neutral and polar, with phenylalanine, which is neutral and non-polar, at codon 1097 of the CTR9 protein (p.Ser1097Phe). This variant is present in population databases (no rsID available, gnomAD 0.003%). This variant has not been reported in the literature in individuals affected with CTR9-related conditions. ClinVar contains an entry for this variant (Variation ID: 1347308). An algorithm developed to predict the effect of missense changes on protein structure and function (PolyPhen-2) suggests that this variant is likely to be disruptive. In summary, the available evidence is currently insufficient to determine the role of this variant in disease. Therefore, it has been classified as a Variant of Uncertain Significance.

NM_014633.5(CTR9):c.3290C>T (p.Ser1097Phe)

Gene: CTR9 (CTR9 component of Paf1/RNA polymerase II complex; plus strand). Cytogenetic location: 11p15.4.
Variant type: single nucleotide variant.
Coding change: c.3290C>T on transcript NM_014633.5 (MANE Select); coding-DNA position 3290, C replaced by T.
Protein change: p.Ser1097Phe; replaces serine 1097 with phenylalanine.
Molecular consequence: missense variant.
Genome position (GRCh38, 1-based): chr11:10,778,873, C>T. VCF-style: chr11-10778873-C-T. GRCh37 (hg19) VCF-style: chr11-10800420-C-T.
Other names: c.3218C>T, p.Ser1073Phe (NM_001346279.2); short protein forms S1097F, S1073F.
Identifiers: ClinVar variation 1347308 (VCV001347308.8), dbSNP rs1303517696, ClinGen allele CA379679464.